The following is an entry in ClinVar:

ClinVar aggregate classification (germline): Uncertain significance (1 of 4 stars; one submission).

Conditions:
Immunodeficiency-centromeric instability-facial anomalies syndrome 2 (ICF2). Identifiers: Orphanet 2268, MedGen C3279748, MONDO:0013553, OMIM 614069.

Submission:

Labcorp Genetics (formerly Invitae), Labcorp
Classification: Uncertain significance for Immunodeficiency-centromeric instability-facial anomalies syndrome 2. Last evaluated: 2025-09-02. Review status: criteria provided, single submitter. Criteria: Invitae Variant Classification Sherloc (09022015). Collection method: clinical testing. Allele origin: germline.
Comment: This sequence change is expected to alter the c-terminus of the ZBTB24 protein (p.Glu656Glyfs*48). While this is not anticipated to result in nonsense mediated decay, it is expected to disrupt the last 42 amino acid(s) of the ZBTB24 protein and extend the protein by 5 additional amino acid residues. This variant is not present in population databases (gnomAD no frequency). This variant has not been reported in the literature in individuals affected with ZBTB24-related conditions. Experimental studies and prediction algorithms are not available or were not evaluated, and the functional significance of this variant is currently unknown. In summary, the available evidence is currently insufficient to determine the role of this variant in disease. Therefore, it has been classified as a Variant of Uncertain Significance.

NM_014797.3(ZBTB24):c.1967_1968del (p.Glu656fs)

Gene: ZBTB24 (zinc finger and BTB domain containing 24; minus strand). Cytogenetic location: 6q21.
Variant type: Microsatellite.
Coding change: c.1967_1968del on transcript NM_014797.3 (MANE Select); coding-DNA positions 1967 to 1968, 2 bases deleted (AG; older notation c.1967_1968delAG).
Protein change: p.Glu656fs; shifts the reading frame from glutamic acid 656.
Molecular consequence: frameshift variant.
Genome position (GRCh38, 1-based): chr6:109,465,977-109,465,978, CT deleted on the plus strand (AG on the coding strand, the reverse complement: ZBTB24 is on the minus strand); deleting any 2 consecutive bases within chr6:109,465,977-109,465,980 gives the same sequence; the c. name uses the placement nearest the transcript's 3' end. VCF-style (leftmost placement, unchanged base first): chr6-109465976-CCT-C. GRCh37 (hg19) VCF-style: chr6-109787179-CCT-C.
Other names: short protein forms E656fs.
Identifiers: ClinVar variation 4751903 (VCV004751903.1).
Genomic context (GRCh38, chr6:109,465,976, plus strand): 5'-GCTCCTGTGTCAGCTGCAGGTGCTGAGCTGGATCTGAAGTACTTGTAGCTAAATGGAGCT[CCT>C]CTGTTTGCTCTTGATGGGCATGAAGATGTTCCAGTGTTTCCTTGGACAGAGTGATCACGT-3'